The following is an entry in ClinVar:

NM_001277115.2(DNAH11):c.4037C>T (p.Thr1346Ile)

Gene: DNAH11 (dynein axonemal heavy chain 11; plus strand). Cytogenetic location: 7p15.3.
Variant type: single nucleotide variant.
Coding change: c.4037C>T on transcript NM_001277115.2 (MANE Select); coding-DNA position 4037, C replaced by T.
Protein change: p.Thr1346Ile; replaces threonine 1346 with isoleucine.
Molecular consequence: missense variant.
Genome position (GRCh38, 1-based): chr7:21,616,234, C>T. VCF-style: chr7-21616234-C-T. GRCh37 (hg19) VCF-style: chr7-21655852-C-T.
Other names: c.4037C>T, p.Thr1346Ile (NM_003777.3); short protein forms T1346I.
Identifiers: ClinVar variation 1737250 (VCV001737250.5), dbSNP rs367884384, ClinGen allele CA4179868.
Genomic context (GRCh38, chr7:21,616,234, plus strand): 5'-GTTGTTGACACTTTTATCTGCTTTTGCGTTTTCAGAGAAGCATTGATAATTGGACTAAAA[C>T]CCAGTGGAGACAGATTCATGTGGAACAGATGGATGTAGAACTCAGAAGGTTTGCCAAGGC-3'
Protein context (NP_001264044.1, residues 1336-1356): VRRSIDNWTK[Thr1346Ile]QWRQIHVEQM

ClinVar aggregate classification (germline): Conflicting classifications of pathogenicity. Review status: criteria provided, conflicting classifications (1 of 4 stars). 2 submissions from 2 submitters: Uncertain significance (1); Likely benign (1). Last evaluated 2023-09-21.

Conditions:
Primary ciliary dyskinesia. Also called: Ciliary dyskinesia. Identifiers: Orphanet 244, MedGen C0008780, MONDO:0016575, HP:0012265.

Allele frequency attached by ClinVar (database versions not stated): ExAC 0.00002; gnomAD 0.00002; TOPMed 0.00002; ESP Exome Variant Server 0.00008.
gnomAD v4.1: 20 of 1,613,430 alleles (0.0012%); highest among the groups gnomAD compares: Non-Finnish European, 0.0017%; no homozygotes.

Submissions (2):

Labcorp Genetics (formerly Invitae), Labcorp
Classification: Likely benign for Primary ciliary dyskinesia. Last evaluated: 2023-09-21. Review status: criteria provided, single submitter. Criteria: Invitae Variant Classification Sherloc (09022015). Collection method: clinical testing. Allele origin: germline.

Ambry Genetics
Classification: Uncertain significance for Primary ciliary dyskinesia. Last evaluated: 2021-12-16. Review status: criteria provided, single submitter. Criteria: Ambry Variant Classification Scheme 2023. Collection method: clinical testing. Allele origin: germline.
Comment: The p.T1346I variant (also known as c.4037C>T), located in coding exon 22 of the DNAH11 gene, results from a C to T substitution at nucleotide position 4037. The threonine at codon 1346 is replaced by isoleucine, an amino acid with similar properties. This amino acid position is conserved. In addition, the in silico prediction for this alteration is inconclusive. Since supporting evidence is limited at this time, the clinical significance of this alteration remains unclear.